The following is an entry in ClinVar:

NM_001369.3(DNAH5):c.8404C>T (p.Gln2802Ter)

Gene: DNAH5 (dynein axonemal heavy chain 5; minus strand). Cytogenetic location: 5p15.2.
Variant type: single nucleotide variant.
Coding change: c.8404C>T on transcript NM_001369.3 (MANE Select); coding-DNA position 8404, C replaced by T.
Protein change: p.Gln2802Ter; replaces glutamine 2802 with a stop codon.
Molecular consequence: nonsense.
Genome position (GRCh38, 1-based): chr5:13,792,038, G>A on the plus strand (C>T on the coding strand, the complement: DNAH5 is on the minus strand). VCF-style: chr5-13792038-G-A. GRCh37 (hg19) VCF-style: chr5-13792147-G-A.
Other names: short protein forms Q2802*.
Identifiers: ClinVar variation 525390 (VCV000525390.16), dbSNP rs1193586811, ClinGen allele CA359218951.
Genomic context (GRCh38, chr5:13,792,038, plus strand): 5'-CTTCAGTGTCACTTACATTTGGTTCCTTGATGACCTCTGAAGTAGTGTTCAGCATTCCCT[G>A]CCAGACCCGAGAAAGATCTCGTAGGTTAAACACATAATGGAATTTTGCAGGGGTAGGAAG-3'

ClinVar aggregate classification (germline): Pathogenic/Likely pathogenic. Review status: criteria provided, multiple submitters, no conflicts (2 of 4 stars). 5 submissions from 5 submitters: Pathogenic (4); Likely pathogenic (1). Last evaluated 2026-01-15.

Conditions:
Primary ciliary dyskinesia. Also called: Ciliary dyskinesia. Identifiers: Orphanet 244, MedGen C0008780, MONDO:0016575, HP:0012265.
Respiratory ciliopathies including non-CF bronchiectasis.
Primary ciliary dyskinesia 3. Identifiers: Orphanet 244, MedGen C1837618, MONDO:0012085, OMIM 608644.

Allele frequency attached by ClinVar (database versions not stated): gnomAD exomes 0.00001; gnomAD 0.00003 and 0.00004; TOPMed 0.00003.
gnomAD v4.1: 53 of 1,613,790 alleles (0.0033%); highest among the groups gnomAD compares: Non-Finnish European, 0.0042%; no homozygotes.

Submissions (5):

Natera, Inc.
Classification: Pathogenic for Primary ciliary dyskinesia. Last evaluated: 2026-01-15. Review status: criteria provided, single submitter. Criteria: Natera Variant Classification Schema (03/2026). Collection method: clinical testing. Allele origin: germline.
Comment: The c.8404C>T variant in DNAH5 is a nonsense variant predicted to introduce a stop codon at amino acid 2802. This variant is expected to result in nonsense mediated decay, truncation, or a dysfunctional protein product. This variant is rare in the general population with a frequency below the threshold expected for the associated phenotype(s). This variant has been observed in one or more individuals affected with the associated recessive disease, as either homozygous or compound heterozygous with a second variant (PMID: 33715250, 16627867). Additionally, this variant has been observed to segregate in affected family members (PMID: 16627867). Given the available evidence, this variant is classified as Pathogenic.

Variantyx, Inc.
Classification: Pathogenic for Primary ciliary dyskinesia 3. Last evaluated: 2025-09-11. Review status: criteria provided, single submitter. Criteria: Variantyx Assertion Criteria 2022. Collection method: clinical testing. Allele origin: germline. Inheritance: Autosomal recessive inheritance. Affected: yes.
Comment: This is a nonsense variant in the DNAH5 gene (OMIM: 603335). Pathogenic variants in this gene have been associated with autosomal recessive primary ciliary dyskinesia 3. This variant introduces a premature termination codon in exon 50 out of 79 and is expected to result in loss of function, which is a known disease mechanism for DNAH5 in this disorder (PMID: 11788826, 16627867) (PVS1). This variant has been identified in the compound heterozygous state in at least one individual reported in the published literature (PMID: 16627867) (PM3) and has a 0.0042% maximum allele frequency in non-founder control populations (PM2). Based on the current evidence, this variant is classified as pathogenic for autosomal recessive primary ciliary dyskinesia 3.

Labcorp Genetics (formerly Invitae), Labcorp
Classification: Pathogenic for Primary ciliary dyskinesia. Last evaluated: 2025-07-03. Review status: criteria provided, single submitter. Criteria: Invitae Variant Classification Sherloc (09022015). Collection method: clinical testing. Allele origin: germline.
Comment: This sequence change creates a premature translational stop signal (p.Gln2802*) in the DNAH5 gene. It is expected to result in an absent or disrupted protein product. Loss-of-function variants in DNAH5 are known to be pathogenic (PMID: 11788826, 16627867). This variant is present in population databases (no rsID available, gnomAD 0.003%). This premature translational stop signal has been observed in individual(s) with primary ciliary dyskinesia (PMID: 16627867). ClinVar contains an entry for this variant (Variation ID: 525390). For these reasons, this variant has been classified as Pathogenic.

NHS Central & South Genomic Laboratory Hub
Classification: Pathogenic for Respiratory ciliopathies including non-CF bronchiectasis. Last evaluated: 2025-04-09. Review status: criteria provided, single submitter. Criteria: ACMG Guidelines, 2015. Collection method: clinical testing. Allele origin: germline. Affected: yes.

GeneDx
Classification: Likely pathogenic. Last evaluated: 2020-06-03. Review status: criteria provided, single submitter. Criteria: GeneDx Variant Classification Process June 2021. Collection method: clinical testing. Allele origin: germline. Affected: yes.
Comment: Nonsense variant predicted to result in protein truncation or nonsense mediated decay in a gene for which loss-of-function is a known mechanism of disease; This variant is associated with the following publications: (PMID: 25525159, 16627867, 31879361)

Literature cited by the submitters: PubMed 33715250 (cited by Natera, Inc.); PubMed 16627867 (cited by 3 submitters); PubMed 11788826 (cited by Variantyx, Inc. and Labcorp Genetics (formerly Invitae), Labcorp).